The following is an entry in ClinVar:

NM_003742.4(ABCB11):c.1510G>A (p.Glu504Lys)

Gene: ABCB11 (ATP binding cassette subfamily B member 11; minus strand). Cytogenetic location: 2q31.1.
Variant type: single nucleotide variant.
Coding change: c.1510G>A on transcript NM_003742.4 (MANE Select); coding-DNA position 1510, G replaced by A.
Protein change: p.Glu504Lys; replaces glutamic acid 504 with lysine.
Molecular consequence: missense variant.
Genome position (GRCh38, 1-based): chr2:168,971,975, C>T on the plus strand (G>A on the coding strand, the complement: ABCB11 is on the minus strand). VCF-style: chr2-168971975-C-T. GRCh37 (hg19) VCF-style: chr2-169828485-C-T.
Other names: short protein forms E504K.
Identifiers: ClinVar variation 4845987 (VCV004845987.1).
Genomic context (GRCh38, chr2:168,971,975, plus strand): 5'-TTGCATCTTCTCTGCCATAGCGAATATTTTCTGCAATGGTGGTAGAGAACAGAACTGGCT[C>T]TTGCTCCACTATCCCAATCTGATCTCTAAGCCACTGAATGTTAAGAGAGCGAATGTCATG-3'
Protein context (NP_003733.2, residues 494-514): LRDQIGIVEQ[Glu504Lys]PVLFSTTIAE

ClinVar aggregate classification (germline): Uncertain significance (1 of 4 stars; one submission).

Conditions:
Familial intrahepatic cholestasis. Identifiers: Orphanet 284385, MedGen CN296401, MONDO:0017290.

Submission:

Genomenon, Inc
Classification: Uncertain significance for Familial intrahepatic cholestasis. Last evaluated: 2026-04-14. Review status: criteria provided, single submitter. Criteria: Genomenon Sequence Variant Interpretation Standards - Updated. Collection method: curation. Allele origin: germline. Affected: yes.
Comment: ABCB11 p.Glu504Lys (c.1510G>A) is a missense variant that changes the amino acid at residue 504 from Glutamic acid to Lysine. This variant has been observed in at least one proband with an ABCB11-related disorder (PMID:32808743). It has been observed in trans with a pathogenic or likely pathogenic variant (PMID:32808743). It is absent or not present at a significant frequency in gnomAD. In silico models predict that this variant is possibly or probably damaging. In conclusion, we classify ABCB11 p.Glu504Lys (c.1510G>A) as a variant of uncertain significance.

Literature cited by the submitters: PubMed 32808743.